The following is an entry in ClinVar:

ClinVar aggregate classification (germline): Uncertain significance. Review status: criteria provided, multiple submitters, no conflicts (2 of 4 stars). 3 submissions from 3 submitters: Uncertain significance (3). Last evaluated 2024-11-22.

Conditions:
Hereditary cancer-predisposing syndrome. Also called: Hereditary neoplastic syndrome; Neoplastic Syndromes, Hereditary; Tumor predisposition; Hereditary Cancer Syndrome. Identifiers: Orphanet 140162, MedGen C0027672, MeSH D009386, MONDO:0015356.
Familial cancer of breast. Also called: Hereditary breast cancer; hereditary breast carcinoma; BREAST CANCER, FAMILIAL. Identifiers: Orphanet 227535, MedGen C0346153, MONDO:0016419, OMIM 114480. Disease mechanism: loss of function.
Fanconi anemia complementation group J. Also called: BRIP1-Related Fanconi Anemia. Identifiers: Orphanet 84, MedGen C1836860, MONDO:0012187, OMIM 609054.

Allele frequency attached by ClinVar (database versions not stated): gnomAD exomes below 0.00001.
gnomAD v4.1: 1 of 1,613,620 alleles (0.000062%); highest among the groups gnomAD compares: Non-Finnish European, 0.000085%; no homozygotes.

Submissions (3):

Ambry Genetics
Classification: Uncertain significance for Hereditary cancer-predisposing syndrome. Last evaluated: 2024-11-22. Review status: criteria provided, single submitter. Criteria: Ambry Variant Classification Scheme 2023. Collection method: clinical testing. Allele origin: germline.
Comment: The p.I952S variant (also known as c.2855T>G), located in coding exon 18 of the BRIP1 gene, results from a T to G substitution at nucleotide position 2855. The isoleucine at codon 952 is replaced by serine, an amino acid with dissimilar properties. This amino acid position is not well conserved in available vertebrate species. In addition, this alteration is predicted to be tolerated by in silico analysis. Since supporting evidence is limited at this time, the clinical significance of this alteration remains unclear.

Color Diagnostics, LLC DBA Color Health
Classification: Uncertain significance for Hereditary cancer-predisposing syndrome. Last evaluated: 2023-12-05. Review status: criteria provided, single submitter. Criteria: ACMG Guidelines, 2015. Collection method: clinical testing. Allele origin: germline.
Comment: This missense variant replaces isoleucine with serine at codon 952 of the BRIP1 protein. Computational prediction suggests that this variant may not impact protein structure and function (internally defined REVEL score threshold <= 0.5, PMID: 27666373). To our knowledge, functional studies have not been reported for this variant. This variant has not been reported in individuals affected with BRIP1-related disorders in the literature. This variant has been identified in 1/250782 chromosomes in the general population by the Genome Aggregation Database (gnomAD). The available evidence is insufficient to determine the role of this variant in disease conclusively. Therefore, this variant is classified as a Variant of Uncertain Significance.

Labcorp Genetics (formerly Invitae), Labcorp
Classification: Uncertain significance for Familial cancer of breast; Fanconi anemia complementation group J. Last evaluated: 2022-04-13. Review status: criteria provided, single submitter. Criteria: Invitae Variant Classification Sherloc (09022015). Collection method: clinical testing. Allele origin: germline.
Comment: This sequence change replaces isoleucine, which is neutral and non-polar, with serine, which is neutral and polar, at codon 952 of the BRIP1 protein (p.Ile952Ser). This variant is present in population databases (no rsID available, gnomAD 0.0009%). This variant has not been reported in the literature in individuals affected with BRIP1-related conditions. ClinVar contains an entry for this variant (Variation ID: 407801). Algorithms developed to predict the effect of missense changes on protein structure and function (SIFT, PolyPhen-2, Align-GVGD) all suggest that this variant is likely to be tolerated. Algorithms developed to predict the effect of sequence changes on RNA splicing suggest that this variant may create or strengthen a splice site. In summary, the available evidence is currently insufficient to determine the role of this variant in disease. Therefore, it has been classified as a Variant of Uncertain Significance.

NM_032043.3(BRIP1):c.2855T>G (p.Ile952Ser)

Gene: BRIP1 (BRCA1 interacting DNA helicase 1; minus strand). Cytogenetic location: 17q23.2.
Variant type: single nucleotide variant.
Coding change: c.2855T>G on transcript NM_032043.3 (MANE Select); coding-DNA position 2855, T replaced by G.
Protein change: p.Ile952Ser; replaces isoleucine 952 with serine.
Molecular consequence: missense variant.
Genome position (GRCh38, 1-based): chr17:61,685,886, A>C on the plus strand (T>G on the coding strand, the complement: BRIP1 is on the minus strand). VCF-style: chr17-61685886-A-C. GRCh37 (hg19) VCF-style: chr17-59763247-A-C.
Other names: short protein forms I952S.
Identifiers: ClinVar variation 407801 (VCV000407801.21), dbSNP rs1060501735, ClinGen allele CA16615776.